The following is an entry in ClinVar:

ClinVar aggregate classification (germline): Uncertain significance (1 of 4 stars; one submission).

Conditions:
Werner syndrome (WRN). Identifiers: Orphanet 902, MedGen C0043119, MONDO:0010196, OMIM 277700.

Allele frequency attached by ClinVar (database versions not stated): gnomAD exomes below 0.00001.

Submission:

Labcorp Genetics (formerly Invitae), Labcorp
Classification: Uncertain significance for Werner syndrome. Last evaluated: 2024-02-17. Review status: criteria provided, single submitter. Criteria: Invitae Variant Classification Sherloc (09022015). Collection method: clinical testing. Allele origin: germline.
Comment: This sequence change replaces glycine with arginine at codon 373 of the WRN protein (p.Gly373Arg). The glycine residue is weakly conserved and there is a moderate physicochemical difference between glycine and arginine. This variant is present in population databases (no rsID available, gnomAD 0.0009%). This variant has not been reported in the literature in individuals affected with WRN-related conditions. ClinVar contains an entry for this variant (Variation ID: 1465658). Algorithms developed to predict the effect of missense changes on protein structure and function output the following: SIFT: "Not Available"; PolyPhen-2: "Benign"; Align-GVGD: "Not Available". The arginine amino acid residue is found in multiple mammalian species, which suggests that this missense change does not adversely affect protein function. In summary, the available evidence is currently insufficient to determine the role of this variant in disease. Therefore, it has been classified as a Variant of Uncertain Significance.

NM_000553.6(WRN):c.1117G>A (p.Gly373Arg)

Gene: WRN (WRN RecQ like helicase; plus strand). Cytogenetic location: 8p12.
Variant type: single nucleotide variant.
Coding change: c.1117G>A on transcript NM_000553.6 (MANE Select); coding-DNA position 1117, G replaced by A.
Protein change: p.Gly373Arg; replaces glycine 373 with arginine.
Molecular consequence: missense variant.
Genome position (GRCh38, 1-based): chr8:31,081,144, G>A. VCF-style: chr8-31081144-G-A. GRCh37 (hg19) VCF-style: chr8-30938660-G-A.
Other names: short protein forms G373R.
Identifiers: ClinVar variation 1465658 (VCV001465658.6), dbSNP rs1223703867, ClinGen allele CA370920819.